The following is an entry in ClinVar:

ClinVar aggregate classification (germline): Uncertain significance (1 of 4 stars; one submission).

Submission:

Labcorp Genetics (formerly Invitae), Labcorp
Classification: Uncertain significance. Last evaluated: 2021-03-24. Review status: criteria provided, single submitter. Criteria: Invitae Variant Classification Sherloc (09022015). Collection method: clinical testing. Allele origin: germline.
Comment: In summary, the available evidence is currently insufficient to determine the role of this variant in disease. Therefore, it has been classified as a Variant of Uncertain Significance. This sequence change falls in intron 19 of the MYO5B gene. It does not directly change the encoded amino acid sequence of the MYO5B protein. This variant is not present in population databases (ExAC no frequency). This variant has not been reported in the literature in individuals with MYO5B-related conditions. Algorithms developed to predict the effect of sequence changes on RNA splicing suggest that this variant may disrupt the consensus splice site, but this prediction has not been confirmed by published transcriptional studies.

NM_001080467.3(MYO5B):c.2415-10T>A

Gene: MYO5B (myosin VB; minus strand). Cytogenetic location: 18q21.1.
Variant type: single nucleotide variant.
Coding change: c.2415-10T>A on transcript NM_001080467.3 (MANE Select); 10 bases into the intron before coding-DNA position 2415, T replaced by A.
Molecular consequence: intron variant.
Genome position (GRCh38, 1-based): chr18:49,904,838, A>T on the plus strand (T>A on the coding strand, the complement: MYO5B is on the minus strand). VCF-style: chr18-49904838-A-T. GRCh37 (hg19) VCF-style: chr18-47431208-A-T.
Identifiers: ClinVar variation 1517178 (VCV001517178.8), dbSNP rs2144147823, ClinGen allele CA2573155372.